The following is an entry in ClinVar:

NM_016038.4(SBDS):c.166G>C (p.Val56Leu)

Gene: SBDS (SBDS ribosome maturation factor; minus strand). Cytogenetic location: 7q11.21.
Variant type: single nucleotide variant.
Coding change: c.166G>C on transcript NM_016038.4 (MANE Select); coding-DNA position 166, G replaced by C.
Protein change: p.Val56Leu; replaces valine 56 with leucine.
Molecular consequence: missense variant.
Genome position (GRCh38, 1-based): chr7:66,994,304, C>G on the plus strand (G>C on the coding strand, the complement: SBDS is on the minus strand). VCF-style: chr7-66994304-C-G. GRCh37 (hg19) VCF-style: chr7-66459291-C-G.
Other names: short protein forms V56L.
Identifiers: ClinVar variation 3950314 (VCV003950314.1).

ClinVar aggregate classification (germline): Uncertain significance (1 of 4 stars; one submission).

Conditions:
Inborn genetic diseases. Identifiers: MedGen C0950123, MeSH D030342.

Submission:

Ambry Genetics
Classification: Uncertain significance for Inborn genetic diseases. Last evaluated: 2025-04-11. Review status: criteria provided, single submitter. Criteria: Ambry Variant Classification Scheme 2023. Collection method: clinical testing. Allele origin: germline.
Comment: The p.V56L variant (also known as c.166G>C), located in coding exon 2 of the SBDS gene, results from a G to C substitution at nucleotide position 166. The valine at codon 56 is replaced by leucine, an amino acid with highly similar properties. This amino acid position is conserved. In addition, this alteration is predicted to be deleterious by in silico analysis. Based on the available evidence, the clinical significance of this variant remains unclear.